The following is an entry in ClinVar:

ClinVar aggregate classification (germline): Uncertain significance. Review status: criteria provided, multiple submitters, no conflicts (2 of 4 stars). 2 submissions from 2 submitters: Uncertain significance (2). Last evaluated 2025-11-24.

Conditions:
Inborn genetic diseases. Identifiers: MedGen C0950123, MeSH D030342.
Peroxisome biogenesis disorder. Identifiers: Orphanet 79189, MedGen C1832200, MONDO:0019234. Disease mechanism: loss of function.

Allele frequency attached by ClinVar (database versions not stated): gnomAD exomes 0.00001; ExAC 0.00002; TOPMed 0.00002.
gnomAD v4.1: 7 of 1,614,156 alleles (0.00043%); highest among the groups gnomAD compares: Admixed American, 0.012%; no homozygotes.

Submissions (2):

Labcorp Genetics (formerly Invitae), Labcorp
Classification: Uncertain significance for Peroxisome biogenesis disorder. Last evaluated: 2025-11-24. Review status: criteria provided, single submitter. Criteria: Invitae Variant Classification Sherloc (09022015). Collection method: clinical testing. Allele origin: germline.
Comment: This sequence change replaces glycine, which is neutral and non-polar, with tryptophan, which is neutral and slightly polar, at codon 665 of the PEX6 protein (p.Gly665Trp). This variant is present in population databases (rs752636632, gnomAD 0.02%). This variant has not been reported in the literature in individuals affected with PEX6-related conditions. ClinVar contains an entry for this variant (Variation ID: 2199160). Invitae Evidence Modeling of protein sequence and biophysical properties (such as structural, functional, and spatial information, amino acid conservation, physicochemical variation, residue mobility, and thermodynamic stability) indicates that this missense variant is not expected to disrupt PEX6 protein function with a negative predictive value of 95%. In summary, the available evidence is currently insufficient to determine the role of this variant in disease. Therefore, it has been classified as a Variant of Uncertain Significance.

Ambry Genetics
Classification: Uncertain significance for Inborn genetic diseases. Last evaluated: 2024-04-20. Review status: criteria provided, single submitter. Criteria: Ambry Variant Classification Scheme 2023. Collection method: clinical testing. Allele origin: germline.

NM_000287.4(PEX6):c.1993G>T (p.Gly665Trp)

Gene: PEX6 (peroxisomal biogenesis factor 6; minus strand). Cytogenetic location: 6p21.1.
Variant type: single nucleotide variant.
Coding change: c.1993G>T on transcript NM_000287.4 (MANE Select); coding-DNA position 1993, G replaced by T.
Protein change: p.Gly665Trp; replaces glycine 665 with tryptophan.
Molecular consequence: missense variant. On other transcripts: non-coding transcript variant (1).
Genome position (GRCh38, 1-based): chr6:42,966,626, C>A on the plus strand (G>T on the coding strand, the complement: PEX6 is on the minus strand). VCF-style: chr6-42966626-C-A. GRCh37 (hg19) VCF-style: chr6-42934364-C-A.
Other names: c.1729G>T, p.Gly577Trp (NM_001316313.2); c.1993G>T (NM_000287.3); short protein forms G577W, G665W.
Identifiers: ClinVar variation 2199160 (VCV002199160.3), dbSNP rs752636632, ClinGen allele CA3811145.